The following is an entry in ClinVar:

NM_001085458.2(CTNND1):c.1423A>G (p.Thr475Ala)

Genes: CTNND1 (catenin delta 1; plus strand), TMX2-CTNND1 (TMX2-CTNND1 readthrough (NMD candidate); plus strand). Cytogenetic location: 11q12.1.
Variant type: single nucleotide variant.
Coding change: c.1423A>G on transcript NM_001085458.2 (MANE Select); coding-DNA position 1423, A replaced by G.
Protein change: p.Thr475Ala; replaces threonine 475 with alanine.
Molecular consequence: missense variant. On other transcripts: non-coding transcript variant (1).
Genome position (GRCh38, 1-based): chr11:57,803,623, A>G. VCF-style: chr11-57803623-A-G. GRCh37 (hg19) VCF-style: chr11-57571095-A-G.
Other names: c.1423A>G, p.Thr475Ala (NM_001085459.2, NM_001085460.2, NM_001085461.2 and 3 more transcripts); c.1120A>G, p.Thr374Ala (NM_001085463.2, NM_001085464.2, NM_001085465.2 and 5 more transcripts); c.1261A>G, p.Thr421Ala (NM_001206883.2, NM_001206884.2, NM_001206886.2 and 4 more transcripts); c.1423A>G (NM_001085458.1); short protein forms T374A, T421A, T475A.
Identifiers: ClinVar variation 2445878 (VCV002445878.1), dbSNP rs945863991, ClinGen allele CA223097096.
Genomic context (GRCh38, chr11:57,803,623, plus strand): 5'-TTCTTCAGACATATTGTCTTGAATGCTCAAGAGCCATCTGATGAATTGTCTCTTCCAGGA[A>G]CCCTGTGGAATCTTTCATCCCATGACTCAATCAAAATGGAGATTGTGGACCATGCACTGC-3'
Protein context (NP_001078927.1, residues 465-485): DMDLTEVITG[Thr475Ala]LWNLSSHDSI

ClinVar aggregate classification (germline): Uncertain significance (1 of 4 stars; one submission).

Allele frequency attached by ClinVar (database versions not stated): gnomAD exomes below 0.00001; TOPMed below 0.00001.
gnomAD v4.1: 1 of 1,608,380 alleles (0.000062%); highest among the groups gnomAD compares: Non-Finnish European, 0.000085%; no homozygotes.

Submission:

Women's Health and Genetics/Laboratory Corporation of America, LabCorp
Classification: Uncertain significance. Last evaluated: 2023-02-16. Review status: criteria provided, single submitter. Criteria: LabCorp Variant Classification Summary - May 2015. Collection method: clinical testing. Allele origin: germline.
Comment: Variant summary: CTNND1 c.1423A>G (p.Thr475Ala) results in a non-conservative amino acid change in the encoded protein sequence. Three of five in-silico tools predict a damaging effect of the variant on protein function. 4/4 computational tools predict no significant impact on normal splicing. However, these predictions have yet to be confirmed by functional studies. The variant was absent in 243642 control chromosomes (gnomAD). The available data on variant occurrences in the general population are insufficient to allow any conclusion about variant significance. To our knowledge, no occurrence of c.1423A>G in individuals affected with Blepharocheilodontic Syndrome 2 and no experimental evidence demonstrating its impact on protein function have been reported. No clinical diagnostic laboratories have submitted clinical-significance assessments for this variant to ClinVar after 2014. Based on the evidence outlined above, the variant was classified as uncertain significance.